The following is an entry in ClinVar:

ClinVar aggregate classification (germline): Uncertain significance. Review status: criteria provided, multiple submitters, no conflicts (2 of 4 stars). 3 submissions from 3 submitters: Uncertain significance (3). Last evaluated 2025-08-05.

Conditions:
PKD1-related disorder. Also called: PKD1-related condition.

Allele frequency attached by ClinVar (database versions not stated): gnomAD exomes below 0.00001; ExAC 0.00001.
gnomAD v4.1: 2 of 1,609,448 alleles (0.00012%); no homozygotes.

Submissions (3):

PreventionGenetics, part of Exact Sciences
Classification: Uncertain significance for PKD1-related condition. Last evaluated: 2025-08-05. Review status: criteria provided, single submitter. Criteria: ACMG Guidelines, 2015. Collection method: clinical testing. Allele origin: germline.
Comment: The PKD1 c.5036G>A variant is predicted to result in the amino acid substitution p.Ser1679Asn. To our knowledge, this variant has not been reported in the literature. This variant is reported in 1 allele in individuals of unknown descent in gnomAD. At this time, the clinical significance of this variant is uncertain due to the absence of conclusive functional and genetic evidence.

Women's Health and Genetics/Laboratory Corporation of America, LabCorp
Classification: Uncertain significance. Last evaluated: 2024-11-05. Review status: criteria provided, single submitter. Criteria: LabCorp Variant Classification Summary - May 2015. Collection method: clinical testing. Allele origin: germline.
Comment: Variant summary: PKD1 c.5036G>A (p.Ser1679Asn) results in a conservative amino acid change located in the PKD domain (IPR000601) of the encoded protein sequence. Four of five in-silico tools predict a benign effect of the variant on protein function. The variant allele was found at a frequency of 4.1e-06 in 241442 control chromosomes (gnomAD). The available data on variant occurrences in the general population are insufficient to allow any conclusion about variant significance. c.5036G>A has been reported in the literature as a VUS, found in the heterozygous state in a setting of trio WES for a fetus with complex congenital heart abnormalities and features of Polycystic Kidney Disease 1, although it was not specified whether the father, who also harbored the variant, was affected (Cornthwaite_2022). This report does not provide unequivocal conclusions about association of the variant with Polycystic Kidney Disease 1. To our knowledge, no experimental evidence demonstrating an impact on protein function has been reported. The following publication has been ascertained in the context of this evaluation (PMID: 36068917). ClinVar contains an entry for this variant (Variation ID: 1256444). Based on the evidence outlined above, the variant was classified as uncertain significance.

Athena Diagnostics
Classification: Uncertain significance. Last evaluated: 2021-04-14. Review status: criteria provided, single submitter. Criteria: Athena Diagnostics criteria. Collection method: clinical testing. Allele origin: unknown.

Literature cited by the submitters: PubMed 36068917 (cited by Women's Health and Genetics/Laboratory Corporation of America, LabCorp).

NM_001009944.3(PKD1):c.5036G>A (p.Ser1679Asn)

Gene: PKD1 (polycystin 1, transient receptor potential channel interacting; minus strand). Cytogenetic location: 16p13.3.
Variant type: single nucleotide variant.
Coding change: c.5036G>A on transcript NM_001009944.3 (MANE Select); coding-DNA position 5036, G replaced by A.
Protein change: p.Ser1679Asn; replaces serine 1679 with asparagine.
Molecular consequence: missense variant.
Genome position (GRCh38, 1-based): chr16:2,110,131, C>T on the plus strand (G>A on the coding strand, the complement: PKD1 is on the minus strand). VCF-style: chr16-2110131-C-T. GRCh37 (hg19) VCF-style: chr16-2160132-C-T.
Other names: c.5036G>A, p.Ser1679Asn (NM_000296.4); c.5036G>A (NM_001009944.2); short protein forms S1679N.
Identifiers: ClinVar variation 1256444 (VCV001256444.4), dbSNP rs756419129, ClinGen allele CA7832150.
Genomic context (GRCh38, chr16:2,110,131, plus strand): 5'-GCCCGCAGCTGCACATGGTAGGTGCCGGCCTCGAGCACGGTGAGCGAGAAGCCTTTGCCG[C>T]TGCCGGCCAGGGCCGGGCCCCTGTCCCTCCAGGCAGTCCAGCTGTAGGAGACGTTGGTGC-3'
Protein context (NP_001009944.3, residues 1669-1689): WRDRGPALAG[Ser1679Asn]GKGFSLTVLE